The following is an entry in ClinVar:

NM_007294.4(BRCA1):c.3416dup (p.Ser1139fs)

Genes: BRCA1 (BRCA1 DNA repair associated; minus strand), LOC126862571 (BRD4-independent group 4 enhancer GRCh37_chr17:41243136-41244335; plus strand). Cytogenetic location: 17q21.31.
Variant type: Duplication.
Coding change: c.3416dup on transcript NM_007294.4 (MANE Select); coding-DNA position 3416, one base duplicated (G; older notation c.3416dupG).
Protein change: p.Ser1139fs; shifts the reading frame from serine 1139.
Molecular consequence: frameshift variant. On other transcripts: intron variant (135).
Genome position (GRCh38, 1-based): chr17:43,092,115, C duplicated on the plus strand (G on the coding strand, the reverse complement: BRCA1 is on the minus strand). VCF-style (leftmost placement, unchanged base first): chr17-43092114-A-AC. GRCh37 (hg19) VCF-style: chr17-41244131-A-AC.
Other names: c.3416dupG (NM_007294.3); c.3203dup, p.Ser1068fs (NM_001407571.1, NM_001407853.1, NM_001407894.1 and 9 more transcripts); c.3272dup, p.Ser1091fs (NM_001407740.1, NM_001407741.1, NM_001407742.1 and 20 more transcripts); c.3275dup, p.Ser1092fs (NM_001407750.1, NM_001407751.1, NM_001407752.1 and 29 more transcripts); c.3416dup, p.Ser1139fs (NM_001407854.1, NM_001407858.1, NM_001407859.1 and 30 more transcripts); c.3413dup, p.Ser1138fs (NM_001407860.1, NM_001407861.1, NM_001407587.1 and 22 more transcripts); c.3215dup, p.Ser1072fs (NM_001407862.1); c.3293dup, p.Ser1098fs (NM_001407863.1, NM_001407919.1, NM_001407937.1 and 19 more transcripts); and 42 more; short protein forms S1092fs, S1139fs, S1027fs, S1050fs, S1072fs, S1091fs, S1113fs, S1136fs.
Identifiers: ClinVar variation 548192 (VCV000548192.2), dbSNP rs1555587739, ClinGen allele CA658823972.

ClinVar aggregate classification (germline): Pathogenic (3 of 4 stars; one submission).

Conditions:
Breast-ovarian cancer, familial, susceptibility to, 1 (BROVCA1). Also called: BRCA1 Hereditary Breast and Ovarian Cancer; OVARIAN CANCER, SUSCEPTIBILITY TO. Identifiers: Orphanet 145, MedGen C2676676, MONDO:0011450, OMIM 604370. Disease mechanism: loss of function.

Submission:

Evidence-based Network for the Interpretation of Germline Mutant Alleles (ENIGMA)
Classification: Pathogenic for Breast-ovarian cancer, familial, susceptibility to, 1. Last evaluated: 2017-12-15. Review status: reviewed by expert panel. Criteria: ENIGMA BRCA1/2 Classification Criteria (2017-06-29). Collection method: curation. Allele origin: germline. Study: ENIGMA.
Comment: Variant allele predicted to encode a truncated non-functional protein.